The following is an entry in ClinVar:

ClinVar aggregate classification (germline): Uncertain significance. Review status: criteria provided, multiple submitters, no conflicts (2 of 4 stars). 2 submissions from 2 submitters: Uncertain significance (2). Last evaluated 2026-06-19.

gnomAD v4.1: 1 of 1,597,826 alleles (0.000063%); highest among the groups gnomAD compares: Non-Finnish European, 0.000086%; no homozygotes.

Submissions (2):

Women's Health and Genetics/Laboratory Corporation of America, LabCorp
Classification: Uncertain significance. Last evaluated: 2026-06-19. Review status: criteria provided, single submitter. Criteria: LabCorp Variant Classification Summary - May 2015. Collection method: clinical testing. Allele origin: germline.
Comment: Variant summary: GMNN c.91C>G (p.Pro31Ala) results in a non-conservative amino acid change in the encoded protein sequence. Algorithms developed to predict the effect of missense changes on protein structure and function are either unavailable or do not agree on the potential impact of this missense change. The variant was absent in 251306 control chromosomes. The available data on variant occurrences in the general population are insufficient to allow any conclusion about variant significance. To our knowledge, no occurrence of c.91C>G in individuals affected with GMNN-related conditions and no experimental evidence demonstrating its impact on protein function have been reported. ClinVar contains an entry for this variant (Variation ID: 1975139). Based on the evidence outlined above, the variant was classified as uncertain significance.

Labcorp Genetics (formerly Invitae), Labcorp
Classification: Uncertain significance. Last evaluated: 2023-06-29. Review status: criteria provided, single submitter. Criteria: Invitae Variant Classification Sherloc (09022015). Collection method: clinical testing. Allele origin: germline.
Comment: An algorithm developed to predict the effect of missense changes on protein structure and function (PolyPhen-2) suggests that this variant is likely to be disruptive. This sequence change replaces proline, which is neutral and non-polar, with alanine, which is neutral and non-polar, at codon 31 of the GMNN protein (p.Pro31Ala). This variant is not present in population databases (gnomAD no frequency). This variant has not been reported in the literature in individuals affected with GMNN-related conditions. ClinVar contains an entry for this variant (Variation ID: 1975139). In summary, the available evidence is currently insufficient to determine the role of this variant in disease. Therefore, it has been classified as a Variant of Uncertain Significance.

NM_015895.5(GMNN):c.91C>G (p.Pro31Ala)

Gene: GMNN (geminin DNA replication inhibitor; plus strand). Cytogenetic location: 6p22.3.
Variant type: single nucleotide variant.
Coding change: c.91C>G on transcript NM_015895.5 (MANE Select); coding-DNA position 91, C replaced by G.
Protein change: p.Pro31Ala; replaces proline 31 with alanine.
Molecular consequence: missense variant.
Genome position (GRCh38, 1-based): chr6:24,780,702, C>G. VCF-style: chr6-24780702-C-G. GRCh37 (hg19) VCF-style: chr6-24780930-C-G.
Other names: c.91C>G, p.Pro31Ala (NM_001251989.2, NM_001251990.2, NM_001251991.1); short protein forms P31A.
Identifiers: ClinVar variation 1975139 (VCV001975139.6), dbSNP rs753908717, ClinGen allele CA362989274.